The following is an entry in ClinVar:

ClinVar aggregate classification (germline): Pathogenic. Review status: reviewed by expert panel (3 of 4 stars). 7 submissions from 7 submitters: Pathogenic (1). 6 of the submissions do not count toward it. Last evaluated 2026-04-15.

Conditions:
Hereditary cancer-predisposing syndrome. Also called: Hereditary Cancer Syndrome; Hereditary neoplastic syndrome; Neoplastic Syndromes, Hereditary; Tumor predisposition. Identifiers: Orphanet 140162, MedGen C0027672, MeSH D009386, MONDO:0015356.
Malignant tumor of breast. Also called: Cancer breast; Malignant breast neoplasm. Identifiers: MedGen C0006142, MONDO:0007254. Disease mechanism: loss of function.
Breast-ovarian cancer, familial, susceptibility to, 1 (BROVCA1). Also called: BRCA1 Hereditary Breast and Ovarian Cancer; OVARIAN CANCER, SUSCEPTIBILITY TO. Identifiers: Orphanet 145, MedGen C2676676, MONDO:0011450, OMIM 604370. Disease mechanism: loss of function.
BRCA1-related cancer predisposition. Identifiers: MedGen CN377757, MONDO:0700268.
Hereditary breast ovarian cancer syndrome. Also called: BRCA1- and BRCA2-Associated Hereditary Breast and Ovarian Cancer; Hereditary breast and ovarian cancer syndrome; Hereditary breast and ovarian cancer syndrome (HBOC); Breast and ovarian cancer; Hereditary breast and/or ovarian cancer syndrome; Hereditary breast and ovarian cancer. Identifiers: Orphanet 145, MedGen C0677776, MeSH D061325, MONDO:0003582. Disease mechanism: loss of function.

Submissions 1 to 4 of 8:

ClinGen ENIGMA BRCA1 and BRCA2 Variant Curation Expert Panel, ClinGen
Classification: Pathogenic for BRCA1-related cancer predisposition. Last evaluated: 2026-04-15. Review status: reviewed by expert panel. Criteria: CSpec BRCA1/2ACMG Rules Specifications V1.0. Collection method: curation. Allele origin: germline. Inheritance: Autosomal dominant inheritance.
Comment: The c.5509T>G variant in BRCA1 is a missense variant predicted to cause substitution of Tryptophan by Glycine at amino acid 1837 (p.Trp1837Gly). This variant is absent from gnomAD v2.1 (exomes only, non-cancer subset, read depth ≥25) and gnomAD v3.1 (non-cancer subset, read depth ≥25) (PM2_Supporting met). This BRCA1 missense variant is within a key functional domain and the computational predictor BayesDel (noAF) gives a score of 0.533, above the recommended threshold of 0.28 for prediction of impact on BRCA1 function via protein change. SpliceAI predictor score of 0.00 suggests that the variant has no impact on splicing (score threshold <0.10) (PP3 met). Reported by three calibrated studies with discordant results. Exhibits protein function similar to pathogenic control variants (PMIDs: 30209399, 30765603) and between what was observed for benign and pathogenic control variants (PMID: 30257991) (PS3 and BS3 not met). Multifactorial likelihood ratio analysis using clinically calibrated data produced a combined LR for this variant of 2004.67 (based on Co-occurrence LR=1.067; Family History LR=1878.3), above the threshold for very strong evidence towards pathogenicity (>350) (PP4_Very strong met; PMID: 31853058, internal data (dataset as per PMID: 17924331)). In summary, this variant meets the criteria to be classified as a Pathogenic variant for BRCA1-related cancer predisposition based on the ACMG/AMP criteria applied as specified by the ENIGMA BRCA1/2 VCEP (PM2_Supporting, PP3, PP4_Very strong).

Labcorp Genetics (formerly Invitae), Labcorp
Classification: Pathogenic for Hereditary breast ovarian cancer syndrome. Last evaluated: 2025-05-27. Review status: criteria provided, single submitter. Criteria: Invitae Variant Classification Sherloc (09022015). Collection method: clinical testing. Allele origin: germline. Not counted in ClinVar's aggregate classification.
Comment: This sequence change replaces tryptophan, which is neutral and slightly polar, with glycine, which is neutral and non-polar, at codon 1837 of the BRCA1 protein (p.Trp1837Gly). This variant is not present in population databases (gnomAD no frequency). This missense change has been observed in individual(s) with clinical features of BRCA1-related conditions (PMID: 16267036). ClinVar contains an entry for this variant (Variation ID: 55607). Invitae Evidence Modeling incorporating data from in vitro experimental studies (PMID: 30209399) indicates that this missense variant is expected to disrupt BRCA1 function with a positive predictive value of 95%. Experimental studies have shown that this missense change affects BRCA1 function (PMID: 14534301, 15133503, 20378548, 20516115, 30209399). This variant disrupts the p.Trp1837 amino acid residue in BRCA1. Other variant(s) that disrupt this residue have been determined to be pathogenic (PMID: 8968102, 11802209, 15689452, 27741520, 28324225). This suggests that this residue is clinically significant, and that variants that disrupt this residue are likely to be disease-causing. For these reasons, this variant has been classified as Pathogenic.

Baylor Genetics
Classification: Likely pathogenic for Breast-ovarian cancer, familial, susceptibility to, 1. Last evaluated: 2024-02-20. Review status: criteria provided, single submitter. Criteria: ACMG Guidelines, 2015. Collection method: clinical testing. Allele origin: unknown. Not counted in ClinVar's aggregate classification.

Ambry Genetics
Classification: Pathogenic for Hereditary cancer-predisposing syndrome. Last evaluated: 2023-11-20. Review status: criteria provided, single submitter. Criteria: Ambry Variant Classification Scheme 2023. Collection method: clinical testing. Allele origin: germline. Not counted in ClinVar's aggregate classification.
Comment: The p.W1837G variant (also known as c.5509T>G), located in coding exon 22 of the BRCA1 gene, results from a T to G substitution at nucleotide position 5509. The tryptophan at codon 1837 is replaced by glycine, an amino acid with highly dissimilar properties. This alteration is located in the BRCT domain of BRCA1. The tandem BRCA1 BRCT domain-phosphopeptide complex is involved in the DNA damage response in BRCA1 and alterations in this region which result in loss of phosphopeptide binding or weak binding abrogate BRCA1-BACH1 interaction and are responsible for cancer predisposition (Clapperton JA et al. Nat Struct Mol Biol. 2004 Jun;11(6):512-8). A peptide binding assay demonstrated that the p.W1837G alteration shows no detectable binding to biotinylated pSer-X-X-Phe peptides (Williams RS et al. Nat Struct Mol Biol. 2004 Jun;11(6):519-25). This alteration is structurally destabilizing and would result in a void within the BRCT domain (Williams RS et al. Nat Struct Mol Biol. 2004 Jun;11(6):519-25). A thermodynamic protein stability assay demonstrated that this alteration did not result in a stable protein but, rather, resulted in inclusion bodies, and was, in fact, classified as &ldquo;very destabilizing&rdquo; (Rowling PJ et al. J Biol Chem. 2010 Jun 25;285(26):20080-7). One functional study found that this nucleotide substitution is non-functional in a high throughput genome editing haploid cell survival assay (Findlay GM et al. Nature, 2018 Oct;562:217-222). In addition, other functional assays confirm that the alteration is destabilizing and may cause a folding defect and predict a moderate functional impact that may increase cancer risk (Glover JN et al. Fam Cancer. 2006;5(1):89-93; Lee MS et al. Cancer Res. 2010 Jun 15;70(12):4880-90). Another alteration at the same codon, p.W1837R, has been described in individuals with personal and/or family histories consistent with hereditary breast and ovarian cancer (HBOC) syndrome (Montagna M et al. Cancer Res. 1996;56:5466-9; Fernandes GC et al. Oncotarget. 2016 Dec;7:80465-80481), and has also been predicted to be likely pathogenic and deleterious in several functional studies (Williams RS et al. J. Biol. Chem. 2003; 278:53007-16; Abkevich V et al. J. Med. Genet. 2004;41:492-507; Mirkovic N et al. Cancer Res. 2004 Jun;64:3790-7; Karchin R et al. PLoS Comput. Biol. 2007;3:e26; Lee MS et al. Cancer Res. 2010;70:4880-90; Bouwman P et al. Cancer Discov. 2013 Oct;3(10):1142-55; Gaiser OJ et al. Biochemistry. 2004 Dec;43:15983-95). Of note, this alteration is also designated as 5628T>G in published literature. This amino acid position is highly conserved in available vertebrate species. In addition, this alteration is predicted to be deleterious by in silico analysis. Based on the supporting evidence, this alteration is interpreted as a disease-causing mutation.

NM_007294.4(BRCA1):c.5509T>G (p.Trp1837Gly)

Gene: BRCA1 (BRCA1 DNA repair associated; minus strand). Cytogenetic location: 17q21.31.
Variant type: single nucleotide variant.
Coding change: c.5509T>G on transcript NM_007294.4 (MANE Select); coding-DNA position 5509, T replaced by G.
Protein change: p.Trp1837Gly; replaces tryptophan 1837 with glycine.
Molecular consequence: missense variant. On other transcripts: 3 prime UTR variant (1), non-coding transcript variant (1).
Genome position (GRCh38, 1-based): chr17:43,045,761, A>C on the plus strand (T>G on the coding strand, the complement: BRCA1 is on the minus strand). VCF-style: chr17-43045761-A-C. GRCh37 (hg19) VCF-style: chr17-41197778-A-C.
Other names: NM_007294.4(BRCA1):c.5509T>G; c.5506T>G, p.Trp1836Gly (NM_001407617.1, NM_001407618.1, NM_001407619.1 and 14 more transcripts); c.5503T>G, p.Trp1835Gly (NM_001407636.1, NM_001407637.1, NM_001407638.1 and 13 more transcripts); c.5500T>G, p.Trp1834Gly (NM_001407644.1, NM_001407645.1); c.5497T>G, p.Trp1833Gly (NM_001407646.1); c.5428T>G, p.Trp1810Gly (NM_001407658.1, NM_001407656.1, NM_001407657.1); c.5425T>G, p.Trp1809Gly (NM_001407659.1, NM_001407660.1, NM_001407661.1 and 2 more transcripts); c.5386T>G, p.Trp1796Gly (NM_001407664.1, NM_001407665.1, NM_001407666.1 and 3 more transcripts); and 75 more; short protein forms W1837G, W1790G, W1858G, W733G, W1541G, W1710G, W1725G, W1749G.
Identifiers: ClinVar variation 55607 (VCV000055607.21), dbSNP rs80356959, ClinGen allele CA003681.
Genomic context (GRCh38, chr17:43,045,761, plus strand): 5'-GGGGTATCAGGTAGGTGTCCAGCTCCTGGCACTGGTAGAGTGCTACACTGTCCAACACCC[A>C]CTCTCGGGTCACCACAGGTGCCTCACACATCTGCCCAATTGCTGGAGACAGAGAACACAA-3'
Protein context (NP_009225.1, residues 1827-1847): MCEAPVVTRE[Trp1837Gly]VLDSVALYQC